The following is an entry in ClinVar:

NM_014806.5(RUSC2):c.61C>T (p.His21Tyr)

Gene: RUSC2 (RUN and SH3 domain containing 2; plus strand). Cytogenetic location: 9p13.3.
Variant type: single nucleotide variant.
Coding change: c.61C>T on transcript NM_014806.5 (MANE Select); coding-DNA position 61, C replaced by T.
Protein change: p.His21Tyr; replaces histidine 21 with tyrosine.
Molecular consequence: missense variant. On other transcripts: non-coding transcript variant (1), intron variant (1).
Genome position (GRCh38, 1-based): chr9:35,546,582, C>T. VCF-style: chr9-35546582-C-T. GRCh37 (hg19) VCF-style: chr9-35546579-C-T.
Other names: c.61C>T, p.His21Tyr (NM_001135999.2); c.-620-8478C>T (NM_001330740.2); short protein forms H21Y.
Identifiers: ClinVar variation 1027723 (VCV001027723.6), dbSNP rs1821748484, ClinGen allele CA373325714.

ClinVar aggregate classification (germline): Uncertain significance. Review status: criteria provided, multiple submitters, no conflicts (2 of 4 stars). 2 submissions from 2 submitters: Uncertain significance (2). Last evaluated 2021-12-25.

Conditions:
Intellectual developmental disorder, autosomal recessive 61. Also called: ALWADEI SYNDROME; Intellectual disability, autosomal recessive 61; MENTAL RETARDATION, AUTOSOMAL RECESSIVE 61. Identifiers: MedGen C4540424, MONDO:0030915, OMIM 617773.

Allele frequency attached by ClinVar (database versions not stated): TOPMed below 0.00001.

Submissions (2):

Labcorp Genetics (formerly Invitae), Labcorp
Classification: Uncertain significance. Last evaluated: 2021-12-25. Review status: criteria provided, single submitter. Criteria: Invitae Variant Classification Sherloc (09022015). Collection method: clinical testing. Allele origin: germline.
Comment: This sequence change replaces histidine, which is basic and polar, with tyrosine, which is neutral and polar, at codon 21 of the RUSC2 protein (p.His21Tyr). In summary, the available evidence is currently insufficient to determine the role of this variant in disease. Therefore, it has been classified as a Variant of Uncertain Significance. Algorithms developed to predict the effect of missense changes on protein structure and function (SIFT, PolyPhen-2, Align-GVGD) all suggest that this variant is likely to be disruptive. ClinVar contains an entry for this variant (Variation ID: 1027723). This variant has not been reported in the literature in individuals affected with RUSC2-related conditions. This variant is not present in population databases (gnomAD no frequency).

Baylor Genetics
Classification: Uncertain significance for Intellectual developmental disorder, autosomal recessive 61. Last evaluated: 2019-04-11. Review status: criteria provided, single submitter. Criteria: ACMG Guidelines, 2015. Collection method: clinical testing. Allele origin: paternal. Affected: yes.
Comment: This variant was determined to be of uncertain significance according to ACMG Guidelines, 2015 [PMID:25741868].